The following is an entry in ClinVar:

ClinVar aggregate classification (germline): Likely pathogenic (1 of 4 stars; one submission).

Conditions:
Epilepsy, idiopathic generalized, susceptibility to, 15 (EIG15). Identifiers: MedGen C5193050, MONDO:0032699, OMIM 618357.

Submission:

3billion
Classification: Likely pathogenic for Epilepsy, idiopathic generalized, susceptibility to, 15. Last evaluated: 2022-05-22. Review status: criteria provided, single submitter. Criteria: ACMG Guidelines, 2015. Collection method: clinical testing. Allele origin: germline. Affected: yes. Observed: 1 heterozygote.
Comment: The variant is not observed in the gnomAD v2.1.1 dataset. Frameshift: predicted to result in a loss or disruption of normal protein function through nonsense-mediated decay (NMD) or protein truncation. Therefore, this variant is classified as likely pathogenic according to the recommendation of ACMG/AMP guideline.

NM_006914.4(RORB):c.1156del (p.Glu386fs)

Gene: RORB (RAR related orphan receptor B; plus strand). Cytogenetic location: 9q21.13.
Variant type: Deletion.
Coding change: c.1156del on transcript NM_006914.4 (MANE Select); coding-DNA position 1156, one base deleted (G; older notation c.1156delG).
Protein change: p.Glu386fs; shifts the reading frame from glutamic acid 386.
Molecular consequence: frameshift variant.
Genome position (GRCh38, 1-based): chr9:74,671,833, G deleted; the last of 2 consecutive G bases (chr9:74,671,832-74,671,833); deleting either gives the same sequence. VCF-style (leftmost placement, unchanged base first): chr9-74671831-AG-A. GRCh37 (hg19) VCF-style: chr9-77286747-AG-A.
Other names: c.1189del, p.Glu397fs (NM_001365023.1); short protein forms E386fs, E397fs.
Identifiers: ClinVar variation 1687547 (VCV001687547.1), dbSNP rs2118545880, ClinGen allele CA2573144690.